The following is an entry in ClinVar:

ClinVar aggregate classification (germline): Uncertain significance (1 of 4 stars; one submission).

Conditions:
Ullrich congenital muscular dystrophy 2 (UCMD2). Identifiers: Orphanet 75840, MedGen C4225314, MONDO:0014654, OMIM 616470.
Bethlem myopathy 2 (BTHLM2). Identifiers: Orphanet 536516, Orphanet 610, MedGen C4225313, MONDO:0034022, OMIM 616471.

Submission:

Labcorp Genetics (formerly Invitae), Labcorp
Classification: Uncertain significance for Bethlem myopathy 2; Ullrich congenital muscular dystrophy 2. Last evaluated: 2024-01-13. Review status: criteria provided, single submitter. Criteria: Invitae Variant Classification Sherloc (09022015). Collection method: clinical testing. Allele origin: germline.
Comment: This sequence change falls in intron 59 of the COL12A1 gene. It does not directly change the encoded amino acid sequence of the COL12A1 protein. This variant is not present in population databases (gnomAD no frequency). This variant has not been reported in the literature in individuals affected with COL12A1-related conditions. Algorithms developed to predict the effect of sequence changes on RNA splicing suggest that this variant may disrupt the consensus splice site. In summary, the available evidence is currently insufficient to determine the role of this variant in disease. Therefore, it has been classified as a Variant of Uncertain Significance.

NM_004370.6(COL12A1):c.8578-6T>G

Gene: COL12A1 (collagen type XII alpha 1 chain; minus strand). Cytogenetic location: 6q13.
Variant type: single nucleotide variant.
Coding change: c.8578-6T>G on transcript NM_004370.6 (MANE Select); 6 bases into the intron before coding-DNA position 8578, T replaced by G.
Molecular consequence: intron variant.
Genome position (GRCh38, 1-based): chr6:75,095,185, A>C on the plus strand (T>G on the coding strand, the complement: COL12A1 is on the minus strand). VCF-style: chr6-75095185-A-C. GRCh37 (hg19) VCF-style: chr6-75804901-A-C.
Other names: c.5086-6T>G (NM_001424116.1, NM_080645.3); c.8305-6T>G (NM_001424115.1); c.8557-6T>G (NM_001424114.1); c.8578-6T>G (NM_001424113.1).
Identifiers: ClinVar variation 2954550 (VCV002954550.3), dbSNP rs2533059066, ClinGen allele CA2740091432.
Genomic context (GRCh38, chr6:75,095,185, plus strand): 5'-CAGGTTTTCCTGGCTTCCCACTTGGTCCTGTGACTCCTGGGGAGCCTGGGCTTCCCTACA[A>C]CACATGGAAAGGGAAGGGGACTGTTATGACAAAGGGAAAATCCCATCTAAAGTAAATGAA-3'